The following is an entry in ClinVar:

ClinVar aggregate classification (germline): Likely pathogenic (1 of 4 stars; one submission).

Submission:

Labcorp Genetics (formerly Invitae), Labcorp
Classification: Likely pathogenic. Last evaluated: 2025-04-18. Review status: criteria provided, single submitter. Criteria: Invitae Variant Classification Sherloc (09022015). Collection method: clinical testing. Allele origin: germline.
Comment: This sequence change affects a donor splice site in intron 6 of the ARID1A gene. It is expected to disrupt RNA splicing. Variants that disrupt the donor or acceptor splice site typically lead to a loss of protein function (PMID: 16199547), and loss-of-function variants in ARID1A are known to be pathogenic (PMID: 22426308, 23929685). This variant is not present in population databases (gnomAD no frequency). This variant has not been reported in the literature in individuals affected with ARID1A-related conditions. Algorithms developed to predict the effect of sequence changes on RNA splicing suggest that this variant may disrupt the consensus splice site. In summary, the currently available evidence indicates that the variant is pathogenic, but additional data are needed to prove that conclusively. Therefore, this variant has been classified as Likely Pathogenic.

Literature cited by the submitters: PubMed 16199547; PubMed 22426308; PubMed 23929685.

NM_006015.6(ARID1A):c.2251+1G>A

Gene: ARID1A (AT-rich interaction domain 1A; plus strand). Cytogenetic location: 1p36.11.
Variant type: single nucleotide variant.
Coding change: c.2251+1G>A on transcript NM_006015.6 (MANE Select); the canonical splice donor site of the intron after coding-DNA position 2251, G replaced by A.
Molecular consequence: splice donor variant.
Genome position (GRCh38, 1-based): chr1:26,761,474, G>A. VCF-style: chr1-26761474-G-A. GRCh37 (hg19) VCF-style: chr1-27087965-G-A.
Other names: c.2251+1G>A (NM_139135.4).
Identifiers: ClinVar variation 4717845 (VCV004717845.1).